The following is an entry in ClinVar:

NM_145207.3(AFG2A):c.2252C>T (p.Ala751Val)

Gene: AFG2A (AAA ATPase AFG2A; plus strand). Cytogenetic location: 4q28.1.
Variant type: single nucleotide variant.
Coding change: c.2252C>T on transcript NM_145207.3 (MANE Select); coding-DNA position 2252, C replaced by T.
Protein change: p.Ala751Val; replaces alanine 751 with valine.
Molecular consequence: missense variant.
Genome position (GRCh38, 1-based): chr4:123,090,617, C>T. VCF-style: chr4-123090617-C-T. GRCh37 (hg19) VCF-style: chr4-124011772-C-T.
Other names: c.2249C>T, p.Ala750Val (NM_001345856.2); short protein forms A750V, A751V.
Identifiers: ClinVar variation 1387566 (VCV001387566.5), dbSNP rs2126010380, ClinGen allele CA358230293.

ClinVar aggregate classification (germline): Uncertain significance (1 of 4 stars; one submission).

Conditions:
Microcephaly-intellectual disability-sensorineural hearing loss-epilepsy-abnormal muscle tone syndrome (NEDHSB). Also called: NEURODEVELOPMENTAL DISORDER WITH HEARING LOSS, SEIZURES, AND BRAIN ABNORMALITIES. Identifiers: Orphanet 457351, MedGen C4225276, MONDO:0014698, OMIM 616577.

Submission:

Labcorp Genetics (formerly Invitae), Labcorp
Classification: Uncertain significance for Microcephaly-intellectual disability-sensorineural hearing loss-epilepsy-abnormal muscle tone syndrome. Last evaluated: 2022-07-12. Review status: criteria provided, single submitter. Criteria: Invitae Variant Classification Sherloc (09022015). Collection method: clinical testing. Allele origin: germline.
Comment: This sequence change replaces alanine, which is neutral and non-polar, with valine, which is neutral and non-polar, at codon 751 of the SPATA5 protein (p.Ala751Val). This variant is not present in population databases (gnomAD no frequency). This variant has not been reported in the literature in individuals affected with SPATA5-related conditions. ClinVar contains an entry for this variant (Variation ID: 1387566). Advanced modeling of protein sequence and biophysical properties (such as structural, functional, and spatial information, amino acid conservation, physicochemical variation, residue mobility, and thermodynamic stability) performed at Invitae indicates that this missense variant is expected to disrupt SPATA5 protein function. In summary, the available evidence is currently insufficient to determine the role of this variant in disease. Therefore, it has been classified as a Variant of Uncertain Significance.